The following is an entry in ClinVar:

ClinVar aggregate classification (germline): Uncertain significance. Review status: criteria provided, multiple submitters, no conflicts (2 of 4 stars). 2 submissions from 2 submitters: Uncertain significance (2). Last evaluated 2026-04-22.

Conditions:
Hereditary cancer-predisposing syndrome. Also called: Neoplastic Syndromes, Hereditary; Tumor predisposition; Hereditary Cancer Syndrome; Hereditary neoplastic syndrome. Identifiers: Orphanet 140162, MedGen C0027672, MeSH D009386, MONDO:0015356.
Neurofibromatosis, type 2 (SWNV). Also called: SCHWANNOMATOSIS, VESTIBULAR; BILATERAL ACOUSTIC NEUROFIBROMATOSIS; NF2-Related Schwannomatosis. Identifiers: Orphanet 637, MedGen C0027832, MONDO:0007039, OMIM 101000. Disease mechanism: loss of function.

Submissions (2):

Ambry Genetics
Classification: Uncertain significance for Hereditary cancer-predisposing syndrome. Last evaluated: 2026-04-22. Review status: criteria provided, single submitter. Criteria: Ambry Variant Classification Scheme 2023. Collection method: clinical testing. Allele origin: germline.
Comment: The p.E564K variant (also known as c.1690G>A), located in coding exon 15 of the NF2 gene, results from a G to A substitution at nucleotide position 1690. The glutamic acid at codon 564 is replaced by lysine, an amino acid with similar properties. This amino acid position is well conserved in available vertebrate species. In addition, the in silico prediction for this alteration is inconclusive. Based on the available evidence, the clinical significance of this variant remains unclear.

Labcorp Genetics (formerly Invitae), Labcorp
Classification: Uncertain significance for Neurofibromatosis, type 2. Last evaluated: 2022-09-14. Review status: criteria provided, single submitter. Criteria: Invitae Variant Classification Sherloc (09022015). Collection method: clinical testing. Allele origin: germline.
Comment: In summary, the available evidence is currently insufficient to determine the role of this variant in disease. Therefore, it has been classified as a Variant of Uncertain Significance. Advanced modeling of protein sequence and biophysical properties (such as structural, functional, and spatial information, amino acid conservation, physicochemical variation, residue mobility, and thermodynamic stability) performed at Invitae indicates that this missense variant is not expected to disrupt NF2 protein function. This variant has not been reported in the literature in individuals affected with NF2-related conditions. This variant is not present in population databases (gnomAD no frequency). This sequence change replaces glutamic acid, which is acidic and polar, with lysine, which is basic and polar, at codon 564 of the NF2 protein (p.Glu564Lys).

NM_000268.4(NF2):c.1690G>A (p.Glu564Lys)

Gene: NF2 (NF2, moesin-ezrin-radixin like (MERLIN) tumor suppressor; plus strand). Cytogenetic location: 22q12.2.
Variant type: single nucleotide variant.
Coding change: c.1690G>A on transcript NM_000268.4 (MANE Select); coding-DNA position 1690, G replaced by A.
Protein change: p.Glu564Lys; replaces glutamic acid 564 with lysine.
Molecular consequence: missense variant. On other transcripts: non-coding transcript variant (1), intron variant (1).
Genome position (GRCh38, 1-based): chr22:29,681,554, G>A. VCF-style: chr22-29681554-G-A. GRCh37 (hg19) VCF-style: chr22-30077543-G-A.
Other names: c.1576G>A, p.Glu526Lys (NM_001407053.1, NM_001407056.1); c.1567G>A, p.Glu523Lys (NM_001407054.1, NM_001407058.1, NM_181829.3); c.1564G>A, p.Glu522Lys (NM_001407055.1, NM_181828.3); c.1555G>A, p.Glu519Lys (NM_001407057.1, NM_001407059.1); c.1432G>A, p.Glu478Lys (NM_001407062.1); c.1441G>A, p.Glu481Lys (NM_001407063.1, NM_181830.3, NM_181831.3); c.1156G>A, p.Glu386Lys (NM_001407065.1); c.1690G>A, p.Glu564Lys (NM_001407066.1, NM_016418.5, NM_181825.3 and 1 more transcripts); and 2 more; short protein forms E478K, E487K, E564K, E481K, E519K, E522K, E386K, E523K.
Identifiers: ClinVar variation 2073253 (VCV002073253.5), dbSNP rs2518735769, ClinGen allele CA411150359.
Genomic context (GRCh38, chr22:29,681,554, plus strand): 5'-ACAGAAATCGAGGCCTTGAAACTGAAAGAGAGGGAGACAGCTCTGGATATTCTGCACAAT[G>A]AGAACTCCGACAGGGGTGGCAGCAGCAAGCACAATACCATTAAAAAGGTACCCAGGGTCT-3'
Protein context (NP_000259.1, residues 554-574): RETALDILHN[Glu564Lys]NSDRGGSSKH